The following is an entry in ClinVar:

ClinVar aggregate classification (germline): Uncertain significance (1 of 4 stars; one submission).

Submission:

Labcorp Genetics (formerly Invitae), Labcorp
Classification: Uncertain significance. Last evaluated: 2025-08-30. Review status: criteria provided, single submitter. Criteria: Invitae Variant Classification Sherloc (09022015). Collection method: clinical testing. Allele origin: germline.
Comment: This sequence change replaces serine, which is neutral and polar, with lysine, which is basic and polar, at codon 310 of the GEN1 protein (p.Ser310Lys). Information on the frequency of this variant in the gnomAD database is not available, as this variant may be reported differently in the database. This variant has not been reported in the literature in individuals affected with GEN1-related conditions. ClinVar contains an entry for this variant (Variation ID: 2787431). An algorithm developed to predict the effect of missense changes on protein structure and function (PolyPhen-2) suggests that this variant is likely to be tolerated. In summary, the available evidence is currently insufficient to determine the role of this variant in disease. Therefore, it has been classified as a Variant of Uncertain Significance.

NM_001130009.3(GEN1):c.929_930delinsAG (p.Ser310Lys)

Gene: GEN1 (GEN1 structure-specific endonuclease; plus strand). Cytogenetic location: 2p24.2.
Variant type: Indel.
Coding change: c.929_930delinsAG on transcript NM_001130009.3 (MANE Select); coding-DNA positions 929 to 930, GT replaced by AG.
Protein change: p.Ser310Lys; replaces serine 310 with lysine.
Molecular consequence: missense variant.
Genome position (GRCh38, 1-based): chr2:17,772,760-17,772,761, GT replaced by AG. VCF-style: chr2-17772760-GT-AG. GRCh37 (hg19) VCF-style: chr2-17954027-GT-AG.
Other names: c.929_930delinsAG, p.Ser310Lys (NM_182625.5); short protein forms S310K.
Identifiers: ClinVar variation 2787431 (VCV002787431.3), dbSNP rs2545586817, ClinGen allele CA2739274176.